The following is an entry in ClinVar:

ClinVar aggregate classification (germline): Uncertain significance. Review status: criteria provided, multiple submitters, no conflicts (2 of 4 stars). 2 submissions from 2 submitters: Uncertain significance (2). Last evaluated 2025-06-30.

Conditions:
Finnish type amyloidosis. Also called: AMYLOID CRANIAL NEUROPATHY WITH LATTICE CORNEAL DYSTROPHY; AMYLOIDOSIS DUE TO MUTANT GELSOLIN; Lattice corneal dystrophy associated with familial systemic amyloidosis; Meretoja's syndrome; Lattice dystrophy of the cornea with hereditary generalized amyloidosis; Amyloidosis, familial, Finnish type. Identifiers: Orphanet 85448, MedGen C1622345, MONDO:0007097, OMIM 105120.

Allele frequency attached by ClinVar (database versions not stated): ExAC 0.00001; gnomAD exomes 0.00001; TOPMed 0.00002; gnomAD 0.00003.

Submissions (2):

Labcorp Genetics (formerly Invitae), Labcorp
Classification: Uncertain significance. Last evaluated: 2025-06-30. Review status: criteria provided, single submitter. Criteria: Invitae Variant Classification Sherloc (09022015). Collection method: clinical testing. Allele origin: germline.
Comment: This sequence change replaces asparagine, which is neutral and polar, with lysine, which is basic and polar, at codon 233 of the GSN protein (p.Asn233Lys). This variant is present in population databases (rs752698745, gnomAD 0.002%). This variant has not been reported in the literature in individuals affected with GSN-related conditions. ClinVar contains an entry for this variant (Variation ID: 364804). Invitae Evidence Modeling of protein sequence and biophysical properties (such as structural, functional, and spatial information, amino acid conservation, physicochemical variation, residue mobility, and thermodynamic stability) has been performed for this missense variant. However, the output from this modeling did not meet the statistical confidence thresholds required to predict the impact of this variant on GSN protein function. In summary, the available evidence is currently insufficient to determine the role of this variant in disease. Therefore, it has been classified as a Variant of Uncertain Significance.

Illumina Laboratory Services, Illumina
Classification: Uncertain significance for Finnish type amyloidosis. Last evaluated: 2018-01-13. Review status: criteria provided, single submitter. Criteria: ICSL Variant Classification Criteria 13 December 2019. Collection method: clinical testing. Allele origin: germline.

NM_198252.3(GSN):c.546T>G (p.Asn182Lys)

Gene: GSN (gelsolin; plus strand). Cytogenetic location: 9q33.2.
Variant type: single nucleotide variant.
Coding change: c.546T>G on transcript NM_198252.3 (MANE Select); coding-DNA position 546, T replaced by G.
Protein change: p.Asn182Lys; replaces asparagine 182 with lysine.
Molecular consequence: missense variant. On other transcripts: 5 prime UTR variant (1).
Genome position (GRCh38, 1-based): chr9:121,312,371, T>G. VCF-style: chr9-121312371-T-G. GRCh37 (hg19) VCF-style: chr9-124074649-T-G.
Other names: c.699T>G, p.Asn233Lys (NM_000177.5); c.546T>G, p.Asn182Lys (NM_001127662.2, NM_001127664.2, NM_001127665.2 and 10 more transcripts); c.654T>G, p.Asn218Lys (NM_001127663.2); c.579T>G, p.Asn193Lys (NM_001127666.2, NM_001127667.2, NM_001353063.2 and 13 more transcripts); c.597T>G, p.Asn199Lys (NM_001258029.2); c.570T>G, p.Asn190Lys (NM_001258030.2); c.618T>G, p.Asn206Lys (NM_001353076.2); c.-109T>G (NM_001353078.2); short protein forms N193K, N233K, N182K, N199K, N190K, N206K, N218K.
Identifiers: ClinVar variation 364804 (VCV000364804.9), dbSNP rs752698745, ClinGen allele CA5220934.